The following is an entry in ClinVar:

NM_006393.3(NEBL):c.682C>G (p.Gln228Glu)

Gene: NEBL (nebulette; minus strand). Cytogenetic location: 10p12.31.
Variant type: single nucleotide variant.
Coding change: c.682C>G on transcript NM_006393.3 (MANE Select); coding-DNA position 682, C replaced by G.
Protein change: p.Gln228Glu; replaces glutamine 228 with glutamic acid.
Molecular consequence: missense variant. On other transcripts: intron variant (9).
Genome position (GRCh38, 1-based): chr10:20,868,666, G>C on the plus strand (C>G on the coding strand, the complement: NEBL is on the minus strand). VCF-style: chr10-20868666-G-C. GRCh37 (hg19) VCF-style: chr10-21157595-G-C.
Other names: p.Q228E:CAA>GAA; c.250-55726C>G (NM_001377326.1, NM_001377327.1, NM_001377328.1); c.358-55726C>G (NM_213569.2, NM_001173484.2, NM_001377322.1); c.301-55726C>G (NM_001377324.1); c.292-55726C>G (NM_001377325.1); c.310-55726C>G (NM_001377323.1); short protein forms Q228E.
Identifiers: ClinVar variation 164759 (VCV000164759.25), dbSNP rs143644290, ClinGen allele CA177446.

ClinVar aggregate classification (germline): Conflicting classifications of pathogenicity. Review status: criteria provided, conflicting classifications (1 of 4 stars). 5 submissions from 5 submitters: Uncertain significance (3); Likely benign (2). Last evaluated 2026-03-10.

Conditions:
Primary dilated cardiomyopathy (DCM). Also called: Dilated Cardiomyopathy. Identifiers: Orphanet 217604, MedGen C0007193, MeSH D002311, MONDO:0005021, HP:0001644. Inheritance: Various modes of inheritance.

Allele frequency attached by ClinVar (database versions not stated): ESP Exome Variant Server 0.00038; 1000 Genomes Project 0.00040; 1000 Genomes Project 30x 0.00047; TOPMed 0.00047; gnomAD exomes 0.00004 and 0.00009; ExAC 0.00008; gnomAD 0.00029 and 0.00030.
gnomAD v4.1: 104 of 1,595,934 alleles (0.0065%); highest among the groups gnomAD compares: African/African-American, 0.12%; 1 homozygote.

Submissions (5):

Women's Health and Genetics/Laboratory Corporation of America, LabCorp
Classification: Likely benign. Last evaluated: 2026-03-10. Review status: criteria provided, single submitter. Criteria: LabCorp Variant Classification Summary - May 2015. Collection method: clinical testing. Allele origin: germline.

Labcorp Genetics (formerly Invitae), Labcorp
Classification: Likely benign for Primary dilated cardiomyopathy. Last evaluated: 2025-11-27. Review status: criteria provided, single submitter. Criteria: Invitae Variant Classification Sherloc (09022015). Collection method: clinical testing. Allele origin: germline.

GeneDx
Classification: Uncertain significance. Last evaluated: 2025-08-01. Review status: criteria provided, single submitter. Criteria: GeneDx Variant Classification Process June 2021. Collection method: clinical testing. Allele origin: germline. Affected: yes.
Comment: In silico analysis supports that this missense variant has a deleterious effect on protein structure/function; Has not been previously published as pathogenic or benign to our knowledge; Variants in candidate genes are classified as variants of uncertain significance in accordance with ACMG guidelines (PMID: 25741868)

Ambry Genetics
Classification: Uncertain significance. Last evaluated: 2025-05-07. Review status: criteria provided, single submitter. Criteria: Ambry Variant Classification Scheme 2023. Collection method: clinical testing. Allele origin: germline.

Laboratory for Molecular Medicine, Mass General Brigham Personalized Medicine
Classification: Uncertain significance. Last evaluated: 2014-03-05. Review status: criteria provided, single submitter. Criteria: LMM Criteria. Collection method: clinical testing. Allele origin: germline. Observed: 1 variant allele.
Comment: The Gln228Glu variant in NEBL has not been previously reported in individuals wi th cardiomyopathy, but has been identified in 0.1% (5/4406) of African American chromosomes by the NHLBI Exome Sequencing Project (EVS/; dbSNP rs143644290). Computational prediction tools and conservation analys is do not provide strong support for or against an impact to the protein. Additi onal information is needed to fully assess the clinical significance of the Gln2 28Glu variant.